The following is an entry in ClinVar:

NC_000015.10:g.84817163G>T

Gene: ALPK3 (alpha kinase 3; plus strand). Cytogenetic location: 15q25.3.
Variant type: single nucleotide variant.
Genome position: GRCh38 VCF-style: chr15-84817163-G-T. GRCh37 (hg19) VCF-style: chr15-85360394-G-T.
Identifiers: ClinVar variation 2776828 (VCV002776828.3), dbSNP rs1006856622, ClinGen allele CA273650873.

ClinVar aggregate classification (germline): Uncertain significance (1 of 4 stars; one submission).

Allele frequency attached by ClinVar (database versions not stated): gnomAD 0.00001.

Submission:

Labcorp Genetics (formerly Invitae), Labcorp
Classification: Uncertain significance. Last evaluated: 2023-03-13. Review status: criteria provided, single submitter. Criteria: Invitae Variant Classification Sherloc (09022015). Collection method: clinical testing. Allele origin: germline.
Comment: In summary, the available evidence is currently insufficient to determine the role of this variant in disease. Therefore, it has been classified as a Variant of Uncertain Significance. An algorithm developed to predict the effect of missense changes on protein structure and function (PolyPhen-2) suggests that this variant is likely to be tolerated. This variant has not been reported in the literature in individuals affected with ALPK3-related conditions. This variant is not present in population databases (gnomAD no frequency). This sequence change replaces arginine, which is basic and polar, with leucine, which is neutral and non-polar, at codon 106 of the ALPK3 protein (p.Arg106Leu).